The following is an entry in ClinVar:

NM_006767.4(LZTR1):c.25_26delinsA (p.Gly9fs)

Genes: LZTR1 (leucine zipper like post translational regulator 1; plus strand), LOC130067016 (ATAC-STARR-seq lymphoblastoid silent region 13504; plus strand). Cytogenetic location: 22q11.21.
Variant type: Indel.
Coding change: c.25_26delinsA on transcript NM_006767.4 (MANE Select); coding-DNA positions 25 to 26, GG replaced by A.
Protein change: p.Gly9fs; shifts the reading frame from glycine 9.
Molecular consequence: frameshift variant.
Genome position (GRCh38, 1-based): chr22:20,982,396-20,982,397, GG replaced by A. VCF-style: chr22-20982396-GG-A. GRCh37 (hg19) VCF-style: chr22-21336685-GG-A.
Other names: short protein forms G9fs.
Identifiers: ClinVar variation 2447756 (VCV002447756.2), dbSNP rs2518607615, ClinGen allele CA2580099154.

ClinVar aggregate classification (germline): Pathogenic (1 of 4 stars; one submission).

Conditions:
Cardiovascular phenotype. Identifiers: MedGen CN230736.
Hereditary cancer-predisposing syndrome. Also called: Neoplastic Syndromes, Hereditary; Hereditary Cancer Syndrome; Tumor predisposition; Hereditary neoplastic syndrome. Identifiers: Orphanet 140162, MedGen C0027672, MeSH D009386, MONDO:0015356.

Submission:

Ambry Genetics
Classification: Pathogenic for Cardiovascular phenotype; Hereditary cancer-predisposing syndrome. Last evaluated: 2023-02-13. Review status: criteria provided, single submitter. Criteria: Ambry Variant Classification Scheme 2023. Collection method: clinical testing. Allele origin: germline.
Comment: The c.25_26delGGinsA variant, located in coding exon 1 of the LZTR1 gene, results from the deletion of two nucleotides and insertion of one nucleotide causing a translational frameshift with a predicted alternate stop codon (p.G9Sfs*16). This alteration is expected to result in loss of function by premature protein truncation or nonsense-mediated mRNA decay. Loss-of-function variants in LZTR1 are related to an increased risk for schwannomas and autosomal recessive Noonan syndrome; however, such associations with autosomal dominant Noonan syndrome have not been observed (Piotrowski A et al. Nat Genet. 2014 Feb;46:182-7; Yamamoto GL et al. J Med Genet. 2015 Jun;52:413-21; Johnston JJ et al. Genet Med. 2018 10;20:1175-1185). Based on the supporting evidence, this variant is pathogenic for an increased risk of LZTR1-related schwannomatosis (SWN) and would be expected to cause autosomal recessive Noonan syndrome when present along with a second pathogenic or likely pathogenic variant on the other allele; however, the association of this alteration with autosomal dominant Noonan syndrome is unlikely.